The following is an entry in ClinVar:

ClinVar aggregate classification (germline): Uncertain significance (1 of 4 stars; one submission).

Allele frequency attached by ClinVar (database versions not stated): gnomAD exomes below 0.00001.
gnomAD v4.1: 5 of 1,614,194 alleles (0.00031%); highest among the groups gnomAD compares: Middle Eastern, 0.016%; no homozygotes.

Submission:

Labcorp Genetics (formerly Invitae), Labcorp
Classification: Uncertain significance. Last evaluated: 2023-11-27. Review status: criteria provided, single submitter. Criteria: Invitae Variant Classification Sherloc (09022015). Collection method: clinical testing. Allele origin: germline.
Comment: This sequence change replaces phenylalanine, which is neutral and non-polar, with leucine, which is neutral and non-polar, at codon 942 of the TCF20 protein (p.Phe942Leu). This variant is not present in population databases (gnomAD no frequency). This variant has not been reported in the literature in individuals affected with TCF20-related conditions. ClinVar contains an entry for this variant (Variation ID: 2099923). Algorithms developed to predict the effect of missense changes on protein structure and function output the following: SIFT: "Not Available"; PolyPhen-2: "Benign"; Align-GVGD: "Not Available". The leucine amino acid residue is found in multiple mammalian species, which suggests that this missense change does not adversely affect protein function. In summary, the available evidence is currently insufficient to determine the role of this variant in disease. Therefore, it has been classified as a Variant of Uncertain Significance.

NM_001378418.1(TCF20):c.2826C>A (p.Phe942Leu)

Gene: TCF20 (transcription factor 20; minus strand). Cytogenetic location: 22q13.2.
Variant type: single nucleotide variant.
Coding change: c.2826C>A on transcript NM_001378418.1 (MANE Select); coding-DNA position 2826, C replaced by A.
Protein change: p.Phe942Leu; replaces phenylalanine 942 with leucine.
Molecular consequence: missense variant.
Genome position (GRCh38, 1-based): chr22:42,212,480, G>T on the plus strand (C>A on the coding strand, the complement: TCF20 is on the minus strand). VCF-style: chr22-42212480-G-T. GRCh37 (hg19) VCF-style: chr22-42608486-G-T.
Other names: c.2826C>A, p.Phe942Leu (NM_005650.4, NM_181492.3); short protein forms F942L.
Identifiers: ClinVar variation 2099923 (VCV002099923.4), dbSNP rs1921078914, ClinGen allele CA411787812.